The following is an entry in ClinVar:

NM_173630.4(RTTN):c.6301T>C (p.Cys2101Arg)

Gene: RTTN (rotatin; minus strand). Cytogenetic location: 18q22.2.
Variant type: single nucleotide variant.
Coding change: c.6301T>C on transcript NM_173630.4 (MANE Select); coding-DNA position 6301, T replaced by C.
Protein change: p.Cys2101Arg; replaces cysteine 2101 with arginine.
Molecular consequence: missense variant.
Genome position (GRCh38, 1-based): chr18:70,017,527, A>G on the plus strand (T>C on the coding strand, the complement: RTTN is on the minus strand). VCF-style: chr18-70017527-A-G. GRCh37 (hg19) VCF-style: chr18-67684763-A-G.
Other names: c.3565T>C, p.Cys1189Arg (NM_001318520.2); short protein forms C2101R, C1189R.
Identifiers: ClinVar variation 427013 (VCV000427013.13), dbSNP rs201253231, ClinGen allele CA8994704.

ClinVar aggregate classification (germline): Conflicting classifications of pathogenicity. Review status: criteria provided, conflicting classifications (1 of 4 stars). 4 submissions from 4 submitters: Likely pathogenic (1); Uncertain significance (3). Last evaluated 2025-08-01.

Conditions:
Inborn genetic diseases. Identifiers: MedGen C0950123, MeSH D030342.
RTTN-related disorder. Also called: RTTN-related condition.

Allele frequency attached by ClinVar (database versions not stated): 1000 Genomes Project 30x 0.00016; 1000 Genomes Project 0.00020; TOPMed below 0.00001; gnomAD 0.00001 and 0.00002; ExAC 0.00002; gnomAD exomes 0.00002 and 0.00003.
gnomAD v4.1: 49 of 1,614,110 alleles (0.003%); highest among the groups gnomAD compares: Non-Finnish European, 0.0041%; no homozygotes.

Submissions (4):

GeneDx
Classification: Likely pathogenic. Last evaluated: 2025-08-01. Review status: criteria provided, single submitter. Criteria: GeneDx Variant Classification Process June 2021. Collection method: clinical testing. Allele origin: germline. Affected: yes.
Comment: Not observed at significant frequency in large population cohorts (gnomAD); In silico analysis supports that this missense variant has a deleterious effect on protein structure/function; Has not been previously published as pathogenic or benign to our knowledge

PreventionGenetics, part of Exact Sciences
Classification: Uncertain significance for RTTN-related condition. Last evaluated: 2023-06-07. Review status: criteria provided, single submitter. Criteria: ACMG Guidelines, 2015. Collection method: clinical testing. Allele origin: germline.
Comment: The RTTN c.6301T>C variant is predicted to result in the amino acid substitution p.Cys2101Arg. To our knowledge, this variant has not been reported in the literature. This variant is reported in 0.0047% of alleles in individuals of European (Non-Finnish) descent in gnomAD. At this time, the clinical significance of this variant is uncertain due to the absence of conclusive functional and genetic evidence.

Ambry Genetics
Classification: Uncertain significance for Inborn genetic diseases. Last evaluated: 2021-11-08. Review status: criteria provided, single submitter. Criteria: Ambry Variant Classification Scheme 2023. Collection method: clinical testing. Allele origin: germline.

Labcorp Genetics (formerly Invitae), Labcorp
Classification: Uncertain significance. Last evaluated: 2021-04-09. Review status: criteria provided, single submitter. Criteria: Invitae Variant Classification Sherloc (09022015). Collection method: clinical testing. Allele origin: germline.
Comment: This variant is present in population databases (rs201253231, ExAC 0.004%). This sequence change replaces cysteine with arginine at codon 2101 of the RTTN protein (p.Cys2101Arg). The cysteine residue is weakly conserved and there is a large physicochemical difference between cysteine and arginine. In summary, the available evidence is currently insufficient to determine the role of this variant in disease. Therefore, it has been classified as a Variant of Uncertain Significance. Algorithms developed to predict the effect of missense changes on protein structure and function (SIFT, PolyPhen-2, Align-GVGD) all suggest that this variant is likely to be tolerated, but these predictions have not been confirmed by published functional studies and their clinical significance is uncertain. This variant has not been reported in the literature in individuals with RTTN-related conditions. ClinVar contains an entry for this variant (Variation ID: 427013).